The following is an entry in ClinVar:

ClinVar aggregate classification (germline): Uncertain significance. Review status: criteria provided, multiple submitters, no conflicts (2 of 4 stars). 5 submissions from 5 submitters: Uncertain significance (5). Last evaluated 2025-07-21.

Conditions:
Endometrial carcinoma. Also called: Endometrial carcinoma, somatic. Identifiers: MedGen C0476089, MONDO:0002447, OMIM 608089, HP:0012114.
Hereditary nonpolyposis colorectal neoplasms. Identifiers: MedGen C0009405, MeSH D003123.
Hereditary cancer-predisposing syndrome. Also called: Neoplastic Syndromes, Hereditary; Tumor predisposition; Hereditary Cancer Syndrome; Hereditary neoplastic syndrome. Identifiers: Orphanet 140162, MedGen C0027672, MeSH D009386, MONDO:0015356.

Submissions (5):

Ambry Genetics
Classification: Uncertain significance for Hereditary cancer-predisposing syndrome. Last evaluated: 2025-07-21. Review status: criteria provided, single submitter. Criteria: Ambry Variant Classification Scheme 2023. Collection method: clinical testing. Allele origin: germline.
Comment: The p.G448E variant (also known as c.1343G>A), located in coding exon 4 of the MSH6 gene, results from a G to A substitution at nucleotide position 1343. The glycine at codon 448 is replaced by glutamic acid, an amino acid with similar properties. This amino acid position is well conserved in available vertebrate species. In addition, this alteration is predicted to be deleterious by in silico analysis. Based on the available evidence, the clinical significance of this variant remains unclear.

Labcorp Genetics (formerly Invitae), Labcorp
Classification: Uncertain significance for Hereditary nonpolyposis colorectal neoplasms. Last evaluated: 2025-01-31. Review status: criteria provided, single submitter. Criteria: Invitae Variant Classification Sherloc (09022015). Collection method: clinical testing. Allele origin: germline.
Comment: This sequence change replaces glycine, which is neutral and non-polar, with glutamic acid, which is acidic and polar, at codon 448 of the MSH6 protein (p.Gly448Glu). This variant is not present in population databases (gnomAD no frequency). This variant has not been reported in the literature in individuals affected with MSH6-related conditions. ClinVar contains an entry for this variant (Variation ID: 525799). Invitae Evidence Modeling of protein sequence and biophysical properties (such as structural, functional, and spatial information, amino acid conservation, physicochemical variation, residue mobility, and thermodynamic stability) indicates that this missense variant is not expected to disrupt MSH6 protein function with a negative predictive value of 95%. In summary, the available evidence is currently insufficient to determine the role of this variant in disease. Therefore, it has been classified as a Variant of Uncertain Significance.

Color Diagnostics, LLC DBA Color Health
Classification: Uncertain significance for Hereditary cancer-predisposing syndrome. Last evaluated: 2024-03-06. Review status: criteria provided, single submitter. Criteria: ACMG Guidelines, 2015. Collection method: clinical testing. Allele origin: germline.
Comment: This missense variant replaces glycine with glutamic acid at codon 448 of the MSH6 protein. Computational prediction suggests that this variant may have deleterious impact on protein structure and function (internally defined REVEL score threshold >= 0.7, PMID: 27666373). To our knowledge, functional studies have not been reported for this variant. This variant has not been reported in individuals affected with hereditary cancer in the literature. This variant has not been identified in the general population by the Genome Aggregation Database (gnomAD). The available evidence is insufficient to determine the role of this variant in disease conclusively. Therefore, this variant is classified as a Variant of Uncertain Significance.

Baylor Genetics
Classification: Uncertain significance for Endometrial carcinoma. Last evaluated: 2024-02-19. Review status: criteria provided, single submitter. Criteria: ACMG Guidelines, 2015. Collection method: clinical testing. Allele origin: unknown.

Sema4
Classification: Uncertain significance for Hereditary cancer-predisposing syndrome. Last evaluated: 2021-12-27. Review status: criteria provided, single submitter. Criteria: Sema4 Curation Guidelines. Collection method: curation. Allele origin: germline.
Comment: To the best of our knowledge, the MSH6 c.1343G>A (p.G448E) variant has not been reported in individuals with MSH6-related disease. It was not observed in the large and broad cohorts of the Genome Aggregation Database (PMID: 32461654). This variant has been reported in ClinVar (Variation ID: 525799). In silico tools suggest the impact of the variant on protein function is deleterious, though these predictions have not been confirmed by functional studies. The evidence is insufficient to meet ACMG/AMP criteria for classifying the variant as benign or pathogenic. Thus, the clinical significance of this variant is currently uncertain.

NM_000179.3(MSH6):c.1343G>A (p.Gly448Glu)

Gene: MSH6 (mutS homolog 6; plus strand). Cytogenetic location: 2p16.3.
Variant type: single nucleotide variant.
Coding change: c.1343G>A on transcript NM_000179.3 (MANE Select); coding-DNA position 1343, G replaced by A.
Protein change: p.Gly448Glu; replaces glycine 448 with glutamic acid.
Molecular consequence: missense variant.
Genome position (GRCh38, 1-based): chr2:47,799,326, G>A. VCF-style: chr2-47799326-G-A. GRCh37 (hg19) VCF-style: chr2-48026465-G-A.
Other names: c.953G>A, p.Gly318Glu (NM_001281492.2); c.437G>A, p.Gly146Glu (NM_001281493.2, NM_001281494.2); short protein forms G448E, G318E, G146E.
Identifiers: ClinVar variation 525799 (VCV000525799.13), dbSNP rs1553412772, ClinGen allele CA346744606.
Genomic context (GRCh38, chr2:47,799,326, plus strand): 5'-AGGTGGGGAAATTTTATGAGCTGTACCACATGGATGCTCTTATTGGAGTCAGTGAACTGG[G>A]GCTGGTATTCATGAAAGGCAACTGGGCCCATTCTGGCTTTCCTGAAATTGCATTTGGCCG-3'
Protein context (NP_000170.1, residues 438-458): MDALIGVSEL[Gly448Glu]LVFMKGNWAH